The following is an entry in ClinVar:

ClinVar aggregate classification (germline): Benign/Likely benign. Review status: criteria provided, multiple submitters, no conflicts (2 of 4 stars). 5 submissions from 5 submitters: Benign (1); Likely benign (3). 1 of the submissions does not count toward it. Last evaluated 2024-10-04.

Conditions:
Hereditary cancer-predisposing syndrome. Also called: Hereditary neoplastic syndrome; Tumor predisposition; Hereditary Cancer Syndrome; Neoplastic Syndromes, Hereditary. Identifiers: Orphanet 140162, MedGen C0027672, MeSH D009386, MONDO:0015356.
Familial cancer of breast. Also called: Hereditary breast cancer; hereditary breast carcinoma; BREAST CANCER, FAMILIAL. Identifiers: Orphanet 227535, MedGen C0346153, MONDO:0016419, OMIM 114480. Disease mechanism: loss of function.
CHEK2-related disorder.

Allele frequency attached by ClinVar (database versions not stated): gnomAD exomes below 0.00001 and 0.00001; ExAC 0.00001.

Submissions (5):

Myriad Genetics, Inc.
Classification: Benign for Familial cancer of breast. Last evaluated: 2024-10-04. Review status: criteria provided, single submitter. Criteria: Myriad Autosomal Dominant, Autosomal Recessive and X-Linked Classification Criteria (2023). Collection method: clinical testing. Allele origin: unknown.
Comment: This variant is considered benign. This variant is a silent/synonymous amino acid change and it is not expected to impact splicing.

Labcorp Genetics (formerly Invitae), Labcorp
Classification: Likely benign for Familial cancer of breast. Last evaluated: 2023-06-30. Review status: criteria provided, single submitter. Criteria: Invitae Variant Classification Sherloc (09022015). Collection method: clinical testing. Allele origin: germline.

Ambry Genetics
Classification: Likely benign for Hereditary cancer-predisposing syndrome. Last evaluated: 2021-06-09. Review status: criteria provided, single submitter. Criteria: Ambry Variant Classification Scheme 2023. Collection method: clinical testing. Allele origin: germline.

Color Diagnostics, LLC DBA Color Health
Classification: Likely benign for Hereditary cancer-predisposing syndrome. Last evaluated: 2017-09-12. Review status: criteria provided, single submitter. Criteria: ACMG Guidelines, 2015. Collection method: clinical testing. Allele origin: germline.

PreventionGenetics, part of Exact Sciences
Classification: Likely benign for CHEK2-related condition. Last evaluated: 2023-05-16. Review status: no assertion criteria provided. Collection method: clinical testing. Allele origin: germline. Not counted in ClinVar's aggregate classification.
Comment: This variant is classified as likely benign based on ACMG/AMP sequence variant interpretation guidelines (Richards et al. 2015 PMID: 25741868, with internal and published modifications).

NM_007194.4(CHEK2):c.1035C>T (p.His345=)

Gene: CHEK2 (checkpoint kinase 2; minus strand). Cytogenetic location: 22q12.1.
Variant type: single nucleotide variant.
Coding change: c.1035C>T on transcript NM_007194.4 (MANE Select); coding-DNA position 1035, C replaced by T.
Protein change: p.His345=; no amino-acid change (histidine 345 retained).
Molecular consequence: synonymous variant. On other transcripts: intron variant (3).
Genome position (GRCh38, 1-based): chr22:28,696,961, G>A on the plus strand (C>T on the coding strand, the complement: CHEK2 is on the minus strand). VCF-style: chr22-28696961-G-A. GRCh37 (hg19) VCF-style: chr22-29092949-G-A.
Other names: c.1164C>T, p.His388= (NM_001005735.3); c.372C>T, p.His124= (NM_001257387.3, NM_001437942.1); c.834C>T, p.His278= (NM_001349956.3); c.1128C>T, p.His376= (NM_001438293.1); c.1009-1088C>T (NM_145862.3); c.1102-1088C>T (NM_001438295.1); c.1138-1088C>T (NM_001438294.1).
Identifiers: ClinVar variation 491587 (VCV000491587.20), dbSNP rs756520206, ClinGen allele CA10167740.
Genomic context (GRCh38, chr22:28,696,961, plus strand): 5'-CTTTATAAGACAGTCCTCTTCTTGAGATGACAGTAAAACATTCTCTGGCTTTAAGTCACG[G>A]TGTATAATACCGTTTTCATGAAGGTACTACACAGAAAGGCAGGCATGACCCTCAGATTCA-3'
Protein context (NP_009125.1, residues 335-355): VQYLHENGII[His345=]RDLKPENVLL